The following is an entry in ClinVar:

ClinVar aggregate classification (germline): Uncertain significance. Review status: criteria provided, single submitter (1 of 4 stars). 2 submissions from 2 submitters: Uncertain significance (1). 1 of the submissions does not count toward it. Last evaluated 2024-05-01.

Conditions:
Cowden syndrome 6 (CWS6). Identifiers: Orphanet 201, MedGen C3554519, MONDO:0014048, OMIM 615109.

Allele frequency attached by ClinVar (database versions not stated): ExAC 0.00002.
gnomAD v4.1: 10 of 1,613,500 alleles (0.00062%); highest among the groups gnomAD compares: East Asian, 0.022%; no homozygotes.

Submissions (2):

Labcorp Genetics (formerly Invitae), Labcorp
Classification: Uncertain significance for Cowden syndrome 6. Last evaluated: 2024-05-01. Review status: criteria provided, single submitter. Criteria: Invitae Variant Classification Sherloc (09022015). Collection method: clinical testing. Allele origin: germline.
Comment: This sequence change replaces isoleucine, which is neutral and non-polar, with methionine, which is neutral and non-polar, at codon 75 of the AKT1 protein (p.Ile75Met). This variant is present in population databases (rs587778019, gnomAD 0.03%). This variant has not been reported in the literature in individuals affected with AKT1-related conditions. ClinVar contains an entry for this variant (Variation ID: 133456). An algorithm developed to predict the effect of missense changes on protein structure and function (PolyPhen-2) suggests that this variant is likely to be disruptive. In summary, the available evidence is currently insufficient to determine the role of this variant in disease. Therefore, it has been classified as a Variant of Uncertain Significance.

ITMI
No classification provided. Condition: AllHighlyPenetrant. Last evaluated: 2013-09-19. Review status: no classification provided. Collection method: reference population. Allele origin: germline. Not counted in ClinVar's aggregate classification.
Comment: Please see associated publication for description of ethnicities

Literature cited by the submitters: PubMed 24728327 (cited by ITMI).

NM_001382430.1(AKT1):c.225C>G (p.Ile75Met)

Gene: AKT1 (AKT serine/threonine kinase 1; minus strand). Cytogenetic location: 14q32.33.
Variant type: single nucleotide variant.
Coding change: c.225C>G on transcript NM_001382430.1 (MANE Select); coding-DNA position 225, C replaced by G.
Protein change: p.Ile75Met; replaces isoleucine 75 with methionine.
Molecular consequence: missense variant.
Genome position (GRCh38, 1-based): chr14:104,776,721, G>C on the plus strand (C>G on the coding strand, the complement: AKT1 is on the minus strand). VCF-style: chr14-104776721-G-C. GRCh37 (hg19) VCF-style: chr14-105243058-G-C.
Other names: c.225C>G, p.Ile75Met (NM_001014431.2, NM_001014432.2, NM_001382431.1 and 3 more transcripts); short protein forms I75M.
Identifiers: ClinVar variation 133456 (VCV000133456.6), dbSNP rs587778019, ClinGen allele CA156582.